The following is an entry in ClinVar:

NM_000112.4(SLC26A2):c.699+3A>C

Gene: SLC26A2 (solute carrier family 26 member 2; plus strand). Cytogenetic location: 5q32.
Variant type: single nucleotide variant.
Coding change: c.699+3A>C on transcript NM_000112.4 (MANE Select); 3 bases into the intron after coding-DNA position 699, A replaced by C.
Molecular consequence: intron variant.
Genome position (GRCh38, 1-based): chr5:149,978,354, A>C. VCF-style: chr5-149978354-A-C. GRCh37 (hg19) VCF-style: chr5-149357917-A-C.
Identifiers: ClinVar variation 1470364 (VCV001470364.6), dbSNP rs778015831, ClinGen allele CA3505293.
Genomic context (GRCh38, chr5:149,978,354, plus strand): 5'-AAGTTGCTATGCAATTATGGTTGGCAGCACTGTAACCTTTATAGCTGGAGTTTATCAGGT[A>C]AGCAGCAATGAAACAATTGGTTATTTCTAGAAAAGTAATCTAGTACATGAAATCTCATAT-3'

ClinVar aggregate classification (germline): Uncertain significance. Review status: criteria provided, multiple submitters, no conflicts (2 of 4 stars). 2 submissions from 2 submitters: Uncertain significance (2). Last evaluated 2026-01-30.

Conditions:
Achondrogenesis, type IB (ACG1B). Also called: Achondrogenesis Type 1B. Identifiers: Orphanet 932, Orphanet 93298, MedGen C0265274, MONDO:0010966, OMIM 600972.
Atelosteogenesis type II (AO2). Also called: NEONATAL OSSEOUS DYSPLASIA I; SLC26A2-Related Atelosteogenesis; Neonatal osseous dysplasia 1. Identifiers: Orphanet 56304, MedGen C1850554, MONDO:0009727, OMIM 256050.
Multiple epiphyseal dysplasia type 4 (EDM4). Also called: MULTIPLE EPIPHYSEAL DYSPLASIA WITH BILAYERED PATELLAE; MULTIPLE EPIPHYSEAL DYSPLASIA WITH CLUBFOOT; MULTIPLE EPIPHYSEAL DYSPLASIA, AUTOSOMAL RECESSIVE; Multiple Epiphyseal Dysplasia, Recessive; SLC26A2-Related Multiple Epiphyseal Dysplasia. Identifiers: Orphanet 93307, MedGen C1847593, MONDO:0009189, OMIM 226900.
Diastrophic dysplasia (DTD). Also called: Diastrophic dwarfism. Identifiers: Orphanet 628, MedGen C0220726, MONDO:0009107, OMIM 222600.

Allele frequency attached by ClinVar (database versions not stated): ExAC 0.00001; gnomAD exomes 0.00001.
gnomAD v4.1: 2 of 1,605,834 alleles (0.00012%); highest among the groups gnomAD compares: Admixed American, 0.0033%; no homozygotes.

Submissions (2):

GeneDx
Classification: Uncertain significance. Last evaluated: 2026-01-30. Review status: criteria provided, single submitter. Criteria: GeneDx Variant Classification Process June 2021. Collection method: clinical testing. Allele origin: germline.
Comment: Not observed at significant frequency in large population cohorts (gnomAD); In silico analysis supports a deleterious effect on splicing; This variant is associated with the following publications: (PMID: 37454964)

Labcorp Genetics (formerly Invitae), Labcorp
Classification: Uncertain significance for Atelosteogenesis type II; Multiple epiphyseal dysplasia type 4; Achondrogenesis, type IB; Diastrophic dysplasia. Last evaluated: 2023-02-06. Review status: criteria provided, single submitter. Criteria: Invitae Variant Classification Sherloc (09022015). Collection method: clinical testing. Allele origin: germline.
Comment: In summary, the available evidence is currently insufficient to determine the role of this variant in disease. Therefore, it has been classified as a Variant of Uncertain Significance. Variants that disrupt the consensus splice site are a relatively common cause of aberrant splicing (PMID: 17576681, 9536098). Algorithms developed to predict the effect of sequence changes on RNA splicing suggest that this variant may disrupt the consensus splice site. ClinVar contains an entry for this variant (Variation ID: 1470364). This variant has not been reported in the literature in individuals affected with SLC26A2-related conditions. This variant is present in population databases (rs778015831, gnomAD 0.003%). This sequence change falls in intron 2 of the SLC26A2 gene. It does not directly change the encoded amino acid sequence of the SLC26A2 protein. It affects a nucleotide within the consensus splice site.

Literature cited by the submitters: PubMed 17576681 (cited by Labcorp Genetics (formerly Invitae), Labcorp); PubMed 9536098 (cited by Labcorp Genetics (formerly Invitae), Labcorp).